The following is an entry in ClinVar:

NM_000535.7(PMS2):c.2228T>C (p.Leu743Pro)

Gene: PMS2 (PMS1 homolog 2, mismatch repair system component; minus strand). Cytogenetic location: 7p22.1.
Variant type: single nucleotide variant.
Coding change: c.2228T>C on transcript NM_000535.7 (MANE Select); coding-DNA position 2228, T replaced by C.
Protein change: p.Leu743Pro; replaces leucine 743 with proline.
Molecular consequence: missense variant. On other transcripts: non-coding transcript variant (1).
Genome position (GRCh38, 1-based): chr7:5,978,643, A>G on the plus strand (T>C on the coding strand, the complement: PMS2 is on the minus strand). VCF-style: chr7-5978643-A-G. GRCh37 (hg19) VCF-style: chr7-6018274-A-G.
Other names: c.1823T>C, p.Leu608Pro (NM_001322003.2, NM_001322004.2, NM_001322005.2 and 1 more transcripts); c.2072T>C, p.Leu691Pro (NM_001322006.2); c.1910T>C, p.Leu637Pro (NM_001322007.2, NM_001322008.2); c.1667T>C, p.Leu556Pro (NM_001322010.2); c.1295T>C, p.Leu432Pro (NM_001322011.2, NM_001322012.2); c.1655T>C, p.Leu552Pro (NM_001322013.2); c.2228T>C, p.Leu743Pro (NM_001322014.2); c.1919T>C, p.Leu640Pro (NM_001322015.2); short protein forms L556P, L637P, L743P, L432P, L552P, L608P, L640P, L691P.
Identifiers: ClinVar variation 653430 (VCV000653430.8), dbSNP rs1583285757, ClinGen allele CA366736701.

ClinVar aggregate classification (germline): Uncertain significance (1 of 4 stars; one submission).

Conditions:
Hereditary nonpolyposis colorectal neoplasms. Identifiers: MedGen C0009405, MeSH D003123.

Submission:

Labcorp Genetics (formerly Invitae), Labcorp
Classification: Uncertain significance for Hereditary nonpolyposis colorectal neoplasms. Last evaluated: 2025-12-09. Review status: criteria provided, single submitter. Criteria: Invitae Variant Classification Sherloc (09022015). Collection method: clinical testing. Allele origin: germline.
Comment: This sequence change replaces leucine, which is neutral and non-polar, with proline, which is neutral and non-polar, at codon 743 of the PMS2 protein (p.Leu743Pro). The frequency data for this variant in the population databases (gnomAD) is considered unreliable due to the presence of homologous sequence, such as pseudogenes or paralogs, in the genome. This variant has not been reported in the literature in individuals affected with PMS2-related conditions. ClinVar contains an entry for this variant (Variation ID: 653430). Invitae Evidence Modeling incorporating data from in vitro experimental studies (internal data) indicates that this missense variant is not expected to disrupt PMS2 function with a negative predictive value of 95%. In summary, the available evidence is currently insufficient to determine the role of this variant in disease. Therefore, it has been classified as a Variant of Uncertain Significance.